The following is an entry in ClinVar:

ClinVar aggregate classification (germline): Pathogenic. Review status: criteria provided, multiple submitters, no conflicts (2 of 4 stars). 7 submissions from 7 submitters: Pathogenic (6). 1 of the submissions does not count toward it. Last evaluated 2026-02-26.

Conditions:
Neurofibromatosis, familial spinal (FSNF). Identifiers: Orphanet 636, MedGen C1834235, MONDO:0008078, OMIM 162210. Disease mechanism: loss of function.
Neurofibromatosis, type 1 (NF1). Also called: Neurofibromatosis, type I; VON RECKLINGHAUSEN DISEASE; NEUROFIBROMATOSIS, TYPE I, SOMATIC; Peripheral type neurofibromatosis. Identifiers: Orphanet 636, MedGen C0027831, MONDO:0018975, OMIM 162200. Disease mechanism: loss of function.
Café-au-lait macules with pulmonary stenosis (WTSN). Also called: PULMONIC STENOSIS WITH CAFE-AU-LAIT SPOTS. Identifiers: MedGen C0553586, MONDO:0008672, OMIM 193520.
Neurofibromatosis-Noonan syndrome (NFNS). Also called: NEUROFIBROMATOSIS WITH NOONAN PHENOTYPE. Identifiers: Orphanet 638, MedGen C2931482, MONDO:0011035, OMIM 601321. Disease mechanism: loss of function.
Juvenile myelomonocytic leukemia (JMML). Also called: LEUKEMIA, JUVENILE MYELOMONOCYTIC, SOMATIC. Identifiers: Orphanet 86834, MedGen C0349639, MONDO:0011908, OMIM 607785, HP:0012209.
Rhabdomyosarcoma. Also called: Rhabdomyosarcoma (disease). Identifiers: Orphanet 780, MedGen C0035412, MeSH D012208, MONDO:0005212, HP:0002859.
Hereditary cancer-predisposing syndrome. Also called: Tumor predisposition; Hereditary Cancer Syndrome; Hereditary neoplastic syndrome; Neoplastic Syndromes, Hereditary. Identifiers: Orphanet 140162, MedGen C0027672, MeSH D009386, MONDO:0015356.
Cardiovascular phenotype. Identifiers: MedGen CN230736.

Submissions (7):

NHS Central & South Genomic Laboratory Hub
Classification: Pathogenic for Neurofibromatosis type 1. Last evaluated: 2026-02-26. Review status: criteria provided, single submitter. Criteria: ACMG Guidelines, 2015. Collection method: clinical testing. Allele origin: germline. Affected: yes.

CeGaT Center for Human Genetics Tuebingen
Classification: Pathogenic. Last evaluated: 2025-12-01. Review status: criteria provided, single submitter. Criteria: CeGaT Center For Human Genetics Tuebingen Variant Classification Criteria Version 2. Collection method: clinical testing. Allele origin: germline. Affected: yes. Observed: 1 variant allele.
Comment: NF1: PVS1, PM2, PS4:Supporting

Labcorp Genetics (formerly Invitae), Labcorp
Classification: Pathogenic for Neurofibromatosis, type 1. Last evaluated: 2025-01-13. Review status: criteria provided, single submitter. Criteria: Invitae Variant Classification Sherloc (09022015). Collection method: clinical testing. Allele origin: germline.
Comment: This sequence change creates a premature translational stop signal (p.Trp1641*) in the NF1 gene. It is expected to result in an absent or disrupted protein product. Loss-of-function variants in NF1 are known to be pathogenic (PMID: 10712197, 23913538). This variant is not present in population databases (gnomAD no frequency). This premature translational stop signal has been observed in individual(s) with neurofibromatosis type I (PMID: 18041031, 23222849, 26478990). This variant is also known as p.W1662*. ClinVar contains an entry for this variant (Variation ID: 573015). For these reasons, this variant has been classified as Pathogenic.

Fulgent Genetics
Classification: Pathogenic for Neurofibromatosis, type 1; Neurofibromatosis, familial spinal; Café-au-lait macules with pulmonary stenosis; Neurofibromatosis-Noonan syndrome; Juvenile myelomonocytic leukemia. Last evaluated: 2024-01-24. Review status: criteria provided, single submitter. Criteria: ACMG Guidelines, 2015. Collection method: clinical testing. Allele origin: germline.

GeneDx
Classification: Pathogenic. Last evaluated: 2023-10-27. Review status: criteria provided, single submitter. Criteria: GeneDx Variant Classification Process June 2021. Collection method: clinical testing. Allele origin: germline. Affected: yes.
Comment: Nonsense variant predicted to result in protein truncation or nonsense mediated decay in a gene for which loss-of-function is a known mechanism of disease; Not observed in large population cohorts (gnomAD); This variant is associated with the following publications: (PMID: 25525159, 28955729, 26478990, 23222849, 24676424, 33877690, 18041031, 31370276, 33372952, 34233200)

Ambry Genetics
Classification: Pathogenic for Cardiovascular phenotype; Hereditary cancer-predisposing syndrome. Last evaluated: 2023-10-05. Review status: criteria provided, single submitter. Criteria: Ambry Variant Classification Scheme 2023. Collection method: clinical testing. Allele origin: germline.
Comment: The p.W1641* pathogenic mutation (also known as c.4922G>A), located in coding exon 36 of the NF1 gene, results from a G to A substitution at nucleotide position 4922. This changes the amino acid from a tryptophan to a stop codon within coding exon 36. This alteration has been observed in multiple individuals with a personal and/or family history that is consistent with NF1-related disease (Brinckmann A et al. Electrophoresis, 2007 Dec;28:4295-301; Esposito T et al. J Neurochem, 2015 Dec;135:1123-8; Giugliano T et al. Genes (Basel), 2019 Jul;10; Napolitano F et al. Genes (Basel), 2022 Jun;13; Ambry internal data). This variant is considered to be rare based on population cohorts in the Genome Aggregation Database (gnomAD). This alteration is expected to result in loss of function by premature protein truncation or nonsense-mediated mRNA decay. As such, this alteration is interpreted as a disease-causing mutation.

Human Genome Sequencing Center Clinical Lab, Baylor College of Medicine
Classification: Pathogenic for Rhabdomyosarcoma. Last evaluated: 2020-09-01. Review status: no assertion criteria provided. Collection method: provider interpretation. Allele origin: germline. Affected: yes. Not counted in ClinVar's aggregate classification.

Literature cited by the submitters: PubMed 10712197 (cited by Labcorp Genetics (formerly Invitae), Labcorp); PubMed 23913538 (cited by Labcorp Genetics (formerly Invitae), Labcorp); PubMed 18041031 (cited by Labcorp Genetics (formerly Invitae), Labcorp); PubMed 23222849 (cited by Labcorp Genetics (formerly Invitae), Labcorp); PubMed 26478990 (cited by Labcorp Genetics (formerly Invitae), Labcorp).

NM_001042492.3(NF1):c.4985G>A (p.Trp1662Ter)

Gene: NF1 (neurofibromin 1; plus strand). Cytogenetic location: 17q11.2.
Variant type: single nucleotide variant.
Coding change: c.4985G>A on transcript NM_001042492.3 (MANE Select); coding-DNA position 4985, G replaced by A.
Protein change: p.Trp1662Ter; replaces tryptophan 1662 with a stop codon.
Molecular consequence: nonsense.
Genome position (GRCh38, 1-based): chr17:31,325,969, G>A. VCF-style: chr17-31325969-G-A. GRCh37 (hg19) VCF-style: chr17-29652987-G-A.
Other names: c.4922G>A, p.Trp1641Ter (NM_000267.4); short protein forms W1641*, W1662*.
Identifiers: ClinVar variation 573015 (VCV000573015.18), dbSNP rs1567611375, ClinGen allele CA399007253.